The following is an entry in ClinVar:

NM_000257.4(MYH7):c.801T>C (p.Leu267=)

Gene: MYH7 (myosin heavy chain 7; minus strand). Cytogenetic location: 14q11.2.
Variant type: single nucleotide variant.
Coding change: c.801T>C on transcript NM_000257.4 (MANE Select); coding-DNA position 801, T replaced by C.
Protein change: p.Leu267=; no amino-acid change (leucine 267 retained).
Molecular consequence: synonymous variant.
Genome position (GRCh38, 1-based): chr14:23,430,995, A>G on the plus strand (T>C on the coding strand, the complement: MYH7 is on the minus strand). VCF-style: chr14-23430995-A-G. GRCh37 (hg19) VCF-style: chr14-23900204-A-G.
Identifiers: ClinVar variation 681016 (VCV000681016.6), dbSNP rs1171861442, ClinGen allele CA485626227.

ClinVar aggregate classification (germline): Conflicting classifications of pathogenicity. Review status: criteria provided, conflicting classifications (1 of 4 stars). 5 submissions from 2 submitters: Uncertain significance (4); Likely benign (1). Last evaluated 2018-03-22.

Conditions:
Hypertrophic cardiomyopathy 1 (CMH1). Also called: MYH7-Related Familial Hypertrophic Cardiomyopathy; Familial hypertrophic cardiomyopathy 1. Identifiers: MedGen C3495498, MONDO:0008647, OMIM 192600.
Dilated cardiomyopathy 1S (CMD1S). Identifiers: Orphanet 154, Orphanet 54260, MedGen C1834481, MONDO:0013262, OMIM 613426.
Myosin storage myopathy (CMYO7A). Also called: MYH7-related late-onset scapuloperoneal muscular dystrophy; Congenital myopathy 7A, myosin storage, autosomal dominant; Scapuloperoneal myopathy, MYH7-related; SCAPULOPERONEAL MUSCULAR DYSTROPHY; SCAPULOPERONEAL SYNDROME, MYOPATHIC TYPE; MYOPATHY, HYALINE BODY, AUTOSOMAL DOMINANT. Identifiers: Orphanet 437572, Orphanet 636965, MedGen C1842160, MONDO:0008409, OMIM 608358.
MYH7-related skeletal myopathy. Also called: Myopathy, distal, 1; MYOPATHY, DISTAL, EARLY-ONSET, AUTOSOMAL DOMINANT; MYOPATHY, LATE DISTAL HEREDITARY; Laing distal myopathy; Laing early-onset distal myopathy. Identifiers: Orphanet 59135, MedGen C4552004, MONDO:0008050, OMIM 160500.

Allele frequency attached by ClinVar (database versions not stated): gnomAD exomes below 0.00001; gnomAD 0.00001; TOPMed 0.00001.
gnomAD v4.1: 2 of 1,609,442 alleles (0.00012%); highest among the groups gnomAD compares: Non-Finnish European, 0.00017%; no homozygotes.

Submissions (5):

GeneDx
Classification: Likely benign. Last evaluated: 2018-03-22. Review status: criteria provided, single submitter. Criteria: GeneDx Variant Classification (06012015). Collection method: clinical testing. Allele origin: germline. Affected: yes.
Comment: This variant is considered likely benign or benign based on one or more of the following criteria: it is a conservative change, it occurs at a poorly conserved position in the protein, it is predicted to be benign by multiple in silico algorithms, and/or has population frequency not consistent with disease.

Illumina Laboratory Services, Illumina
Classification: Uncertain significance for MYH7-related skeletal myopathy. Last evaluated: 2018-01-15. Review status: criteria provided, single submitter. Criteria: ICSL Variant Classification Criteria 13 December 2019. Collection method: clinical testing. Allele origin: germline.

Illumina Laboratory Services, Illumina
Classification: Uncertain significance for Myosin storage myopathy. Last evaluated: 2018-01-15. Review status: criteria provided, single submitter. Criteria: ICSL Variant Classification Criteria 13 December 2019. Collection method: clinical testing. Allele origin: germline.

Illumina Laboratory Services, Illumina
Classification: Uncertain significance for Hypertrophic cardiomyopathy 1. Last evaluated: 2018-01-15. Review status: criteria provided, single submitter. Criteria: ICSL Variant Classification Criteria 13 December 2019. Collection method: clinical testing. Allele origin: germline.

Illumina Laboratory Services, Illumina
Classification: Uncertain significance for Dilated cardiomyopathy 1S. Last evaluated: 2018-01-15. Review status: criteria provided, single submitter. Criteria: ICSL Variant Classification Criteria 13 December 2019. Collection method: clinical testing. Allele origin: germline.